The following is an entry in ClinVar:

NM_001110556.2(FLNA):c.5510C>G (p.Ala1837Gly)

Gene: FLNA (filamin A; minus strand). Cytogenetic location: Xq28.
Variant type: single nucleotide variant.
Coding change: c.5510C>G on transcript NM_001110556.2 (MANE Select); coding-DNA position 5510, C replaced by G.
Protein change: p.Ala1837Gly; replaces alanine 1837 with glycine.
Molecular consequence: missense variant.
Genome position (GRCh38, 1-based): chrX:154,354,198, G>C on the plus strand (C>G on the coding strand, the complement: FLNA is on the minus strand). VCF-style: chrX-154354198-G-C. GRCh37 (hg19) VCF-style: chrX-153582566-G-C.
Other names: c.5486C>G, p.Ala1829Gly (NM_001456.4); short protein forms A1829G, A1837G.
Identifiers: ClinVar variation 3753978 (VCV003753978.2).

ClinVar aggregate classification (germline): Uncertain significance (1 of 4 stars; one submission).

Conditions:
Melnick-Needles syndrome (MNS). Also called: MELNICK-NEEDLES OSTEODYSPLASTY; OSTEODYSPLASTY OF MELNICK AND NEEDLES; Melnick-Needles Syndrome (FLNA-MNS). Identifiers: Orphanet 2484, MedGen C0025237, MONDO:0010650, OMIM 309350.
Frontometaphyseal dysplasia (FMD1). Identifiers: Orphanet 1826, MedGen C0265293, MONDO:0015942.
Heterotopia, periventricular, X-linked dominant (PVNH1). Also called: PERIVENTRICULAR NODULAR HETEROTOPIA 1; X-linked periventricular heterotopia; PERIVENTRICULAR NODULAR HETEROTOPIA 4; HETEROTOPIA, PERIVENTRICULAR, 1. Identifiers: Orphanet 2149, Orphanet 82004, MedGen C1848213, MONDO:0010233, OMIM 300049.
Oto-palato-digital syndrome, type II (OPD2). Also called: FACIOPALATOOSSEOUS SYNDROME; OPD II SYNDROME; Otopalatodigital Syndrome, Type II; Otopalatodigital Syndrome Type 2 (FLNA-OPD2). Identifiers: Orphanet 669, Orphanet 90652, MedGen C1844696, MONDO:0010571, OMIM 304120.

Submission:

Labcorp Genetics (formerly Invitae), Labcorp
Classification: Uncertain significance for Oto-palato-digital syndrome, type II; Heterotopia, periventricular, X-linked dominant; Frontometaphyseal dysplasia; Melnick-Needles syndrome. Last evaluated: 2024-09-12. Review status: criteria provided, single submitter. Criteria: Invitae Variant Classification Sherloc (09022015). Collection method: clinical testing. Allele origin: germline.
Comment: This sequence change replaces alanine, which is neutral and non-polar, with glycine, which is neutral and non-polar, at codon 1829 of the FLNA protein (p.Ala1829Gly). This variant is not present in population databases (gnomAD no frequency). This variant has not been reported in the literature in individuals affected with FLNA-related conditions. Invitae Evidence Modeling of protein sequence and biophysical properties (such as structural, functional, and spatial information, amino acid conservation, physicochemical variation, residue mobility, and thermodynamic stability) indicates that this missense variant is not expected to disrupt FLNA protein function with a negative predictive value of 95%. In summary, the available evidence is currently insufficient to determine the role of this variant in disease. Therefore, it has been classified as a Variant of Uncertain Significance.